The following is an entry in ClinVar:

NM_004423.4(DVL3):c.1715-4A>C

Gene: DVL3 (dishevelled segment polarity protein 3; plus strand). Cytogenetic location: 3q27.1.
Variant type: single nucleotide variant.
Coding change: c.1715-4A>C on transcript NM_004423.4 (MANE Select); 4 bases into the intron before coding-DNA position 1715, A replaced by C.
Molecular consequence: intron variant.
Genome position (GRCh38, 1-based): chr3:184,170,315, A>C. VCF-style: chr3-184170315-A-C. GRCh37 (hg19) VCF-style: chr3-183888103-A-C.
Identifiers: ClinVar variation 791962 (VCV000791962.14), dbSNP rs116002660, ClinGen allele CA2727510.

ClinVar aggregate classification (germline): Benign. Review status: criteria provided, multiple submitters, no conflicts (2 of 4 stars). 4 submissions from 4 submitters: Benign (3). 1 of the submissions does not count toward it. Last evaluated 2026-01-27.

Conditions:
DVL3-related disorder. Also called: DVL3-related condition.

Allele frequency attached by ClinVar (database versions not stated): gnomAD exomes 0.00505; ExAC 0.00843; ESP Exome Variant Server 0.02224; gnomAD 0.02243 and 0.02409; 1000 Genomes Project 0.02496; TOPMed 0.02564; 1000 Genomes Project 30x 0.02608.

Submissions (4):

Labcorp Genetics (formerly Invitae), Labcorp
Classification: Benign. Last evaluated: 2026-01-27. Review status: criteria provided, single submitter. Criteria: Invitae Variant Classification Sherloc (09022015). Collection method: clinical testing. Allele origin: germline.

GeneDx
Classification: Benign. Last evaluated: 2020-03-06. Review status: criteria provided, single submitter. Criteria: GeneDx Variant Classification Process June 2021. Collection method: clinical testing. Allele origin: germline. Affected: yes.

Breakthrough Genomics
Classification: Benign. Review status: criteria provided, single submitter. Criteria: ACMG Guidelines, 2015. Collection method: not provided. Allele origin: germline. Inheritance: Autosomal dominant inheritance. Affected: yes.

PreventionGenetics, part of Exact Sciences
Classification: Benign for DVL3-related condition. Last evaluated: 2019-03-08. Review status: no assertion criteria provided. Collection method: clinical testing. Allele origin: germline. Not counted in ClinVar's aggregate classification.
Comment: This variant is classified as benign based on ACMG/AMP sequence variant interpretation guidelines (Richards et al. 2015 PMID: 25741868, with internal and published modifications).